The following is an entry in ClinVar:

NM_003072.5(SMARCA4):c.3062G>C (p.Gly1021Ala)

Gene: SMARCA4 (SWI/SNF related BAF chromatin remodeling complex subunit ATPase 4; plus strand). Cytogenetic location: 19p13.2.
Variant type: single nucleotide variant.
Coding change: c.3062G>C on transcript NM_003072.5 (MANE Select); coding-DNA position 3062, G replaced by C.
Protein change: p.Gly1021Ala; replaces glycine 1021 with alanine.
Molecular consequence: missense variant. On other transcripts: non-coding transcript variant (1).
Genome position (GRCh38, 1-based): chr19:11,024,419, G>C. VCF-style: chr19-11024419-G-C. GRCh37 (hg19) VCF-style: chr19-11135095-G-C.
Other names: c.3062G>C, p.Gly1021Ala (NM_001128844.3, NM_001128845.2, NM_001128846.2 and 6 more transcripts); short protein forms G1021A.
Identifiers: ClinVar variation 4075684 (VCV004075684.1).

ClinVar aggregate classification (germline): Uncertain significance (1 of 4 stars; one submission).

Submission:

GeneDx
Classification: Uncertain significance. Last evaluated: 2025-02-18. Review status: criteria provided, single submitter. Criteria: GeneDx Variant Classification Process June 2021. Collection method: clinical testing. Allele origin: germline. Affected: yes.
Comment: Not observed at significant frequency in large population cohorts (gnomAD); In silico analysis supports that this missense variant has a deleterious effect on protein structure/function; Has not been previously published as pathogenic or benign to our knowledge; This variant is associated with the following publications: (PMID: 24658002)